The following is an entry in ClinVar:

ClinVar aggregate classification (germline): Uncertain significance (1 of 4 stars; one submission).

Allele frequency attached by ClinVar (database versions not stated): gnomAD exomes below 0.00001.
gnomAD v4.1: 1 of 1,572,644 alleles (0.000064%); highest among the groups gnomAD compares: Non-Finnish European, 0.000086%; no homozygotes.

Submission:

Labcorp Genetics (formerly Invitae), Labcorp
Classification: Uncertain significance. Last evaluated: 2022-09-10. Review status: criteria provided, single submitter. Criteria: Invitae Variant Classification Sherloc (09022015). Collection method: clinical testing. Allele origin: germline.
Comment: This sequence change falls in intron 4 of the WFS1 gene. It does not directly change the encoded amino acid sequence of the WFS1 protein. It affects a nucleotide within the consensus splice site. In summary, the available evidence is currently insufficient to determine the role of this variant in disease. Therefore, it has been classified as a Variant of Uncertain Significance. Variants that disrupt the consensus splice site are a relatively common cause of aberrant splicing (PMID: 17576681, 9536098). Algorithms developed to predict the effect of sequence changes on RNA splicing suggest that this variant may disrupt the consensus splice site. This variant has not been reported in the literature in individuals affected with WFS1-related conditions. This variant is not present in population databases (gnomAD no frequency).

Literature cited by the submitters: PubMed 17576681; PubMed 9536098.

NM_006005.3(WFS1):c.460+5G>A

Gene: WFS1 (wolframin ER transmembrane glycoprotein; plus strand). Cytogenetic location: 4p16.1.
Variant type: single nucleotide variant.
Coding change: c.460+5G>A on transcript NM_006005.3 (MANE Select); 5 bases into the intron after coding-DNA position 460, G replaced by A.
Molecular consequence: intron variant.
Genome position (GRCh38, 1-based): chr4:6,289,136, G>A. VCF-style: chr4-6289136-G-A. GRCh37 (hg19) VCF-style: chr4-6290863-G-A.
Other names: c.460+5G>A (NM_001145853.1).
Identifiers: ClinVar variation 2029914 (VCV002029914.4), dbSNP rs2474171443, ClinGen allele CA2580071764.